The following is an entry in ClinVar:

ClinVar aggregate classification (germline): Uncertain significance (1 of 4 stars; one submission).

Conditions:
Anauxetic dysplasia. Identifiers: Orphanet 93347, MedGen C1846796, MONDO:0011773.

Submission:

Labcorp Genetics (formerly Invitae), Labcorp
Classification: Uncertain significance for Anauxetic dysplasia. Last evaluated: 2022-07-05. Review status: criteria provided, single submitter. Criteria: Invitae Variant Classification Sherloc (09022015). Collection method: clinical testing. Allele origin: germline.
Comment: This variant occurs in the RMRP gene, which encodes an RNA molecule that does not result in a protein product. Information on the frequency of this variant in the gnomAD database is not available, as this variant may be reported differently in the database. This variant has not been reported in the literature in individuals affected with RMRP-related conditions. This variant disrupts the n.263G nucleotide in the RMRP gene. Other variant(s) that disrupt this nucleotide have been determined to be pathogenic (PMID: 11207361). This suggests that this nucleotide is clinically significant, and that variants that disrupt this position are likely to be disease-causing. In summary, the available evidence is currently insufficient to determine the role of this variant in disease. Therefore, it has been classified as a Variant of Uncertain Significance.

Literature cited by the submitters: PubMed 11207361.

NC_000009.12:g.35657756_35657757delinsTT

Gene: RMRP (RNA component of mitochondrial RNA processing endoribonuclease; minus strand). Cytogenetic location: 9p13.3.
Variant type: Indel.
Genome position: GRCh38 VCF-style: chr9-35657756-CG-TT. GRCh37 (hg19) VCF-style: chr9-35657753-CG-TT.
Identifiers: ClinVar variation 2158074 (VCV002158074.1), dbSNP rs2490599561, ClinGen allele CA2580080429.
Genomic context (GRCh38, chr9:35,657,756, plus strand): 5'-CGCGTGAGCCCGGGGAGGTCGAGGCTGCAGTGAGCCGTGGTCTCGGGAACAAAAAACAGC[CG>TT]CGCTGAGAATGAGCCCCGTGTGGTTGGTGCGCGGACACGCACTGCCTGCGTAACTAGAGG-3'